The following is an entry in ClinVar:

NM_000217.3(KCNA1):c.804G>C (p.Thr268=)

Gene: KCNA1 (potassium voltage-gated channel subfamily A member 1; plus strand). Cytogenetic location: 12p13.32.
Variant type: single nucleotide variant.
Coding change: c.804G>C on transcript NM_000217.3 (MANE Select); coding-DNA position 804, G replaced by C.
Protein change: p.Thr268=; no amino-acid change (threonine 268 retained).
Molecular consequence: synonymous variant.
Genome position (GRCh38, 1-based): chr12:4,912,182, G>C. VCF-style: chr12-4912182-G-C. GRCh37 (hg19) VCF-style: chr12-5021348-G-C.
Other names: p.Thr268=.
Identifiers: ClinVar variation 21130 (VCV000021130.33), dbSNP rs2227910, ClinGen allele CA153259.

ClinVar aggregate classification (germline): Benign. Review status: criteria provided, multiple submitters, no conflicts (2 of 4 stars). 13 submissions from 13 submitters: Benign (9). 4 of the submissions do not count toward it. Last evaluated 2026-02-04.

Conditions:
Episodic ataxia type 1 (EA1). Also called: ATAXIA, EPISODIC, WITH MYOKYMIA; Episodic ataxia/myokymia syndrome; MYOKYMIA WITH PERIODIC ATAXIA; PAROXYSMAL ATAXIA WITH NEUROMYOTONIA, HEREDITARY. Identifiers: Orphanet 37612, Orphanet 972, MedGen C1719788, MONDO:0008047, OMIM 160120.

Allele frequency attached by ClinVar (database versions not stated): gnomAD 0.50318; ESP Exome Variant Server 0.50346; TOPMed 0.51880; 1000 Genomes Project 30x 0.53029; 1000 Genomes Project 0.53335.

Submissions (13):

Labcorp Genetics (formerly Invitae), Labcorp
Classification: Benign for Episodic ataxia type 1. Last evaluated: 2026-02-04. Review status: criteria provided, single submitter. Criteria: Invitae Variant Classification Sherloc (09022015). Collection method: clinical testing. Allele origin: germline.

Blueprint Genetics
Classification: Benign. Last evaluated: 2024-11-27. Review status: criteria provided, single submitter. Criteria: ACMG Guidelines, 2015. Collection method: clinical testing. Allele origin: germline.

Unidad de Genómica Garrahan, Hospital de Pediatría Garrahan
Classification: Benign. Last evaluated: 2024-07-31. Review status: criteria provided, single submitter. Criteria: ACMG Guidelines, 2015. Collection method: clinical testing. Allele origin: germline. Affected: no. Observed: 72 variant alleles.
Comment: This variant is classified as Benign based on local population frequency. This variant was detected in 77% of patients studied in a panel designed for Epileptic and Developmental Encephalopathy, Progressive Myoclonus Epilepsy and Abnormal Movements and Neurodegeneration with brain iron accumulation. Number of patients: 72. Only high quality variants are reported.

Mayo Clinic Laboratories, Mayo Clinic
Classification: Benign. Last evaluated: 2022-03-24. Review status: criteria provided, single submitter. Criteria: ACMG Guidelines, 2015. Collection method: clinical testing. Allele origin: germline. Observed: 633 variant alleles.

Genome-Nilou Lab
Classification: Benign for Episodic ataxia type 1. Last evaluated: 2021-08-19. Review status: criteria provided, single submitter. Criteria: ACMG Guidelines, 2015. Collection method: clinical testing. Allele origin: germline. Affected: no.

GeneDx
Classification: Benign. Last evaluated: 2018-11-12. Review status: criteria provided, single submitter. Criteria: GeneDx Variant Classification Process June 2021. Collection method: clinical testing. Allele origin: germline. Affected: yes.

Athena Diagnostics
Classification: Benign. Last evaluated: 2018-05-07. Review status: criteria provided, single submitter. Criteria: Athena Diagnostics Criteria. Collection method: clinical testing. Allele origin: germline.

Illumina Laboratory Services, Illumina
Classification: Benign for Episodic ataxia type 1. Last evaluated: 2018-01-12. Review status: criteria provided, single submitter. Criteria: ICSL Variant Classification Criteria 13 December 2019. Collection method: clinical testing. Allele origin: germline.
Comment: This variant was observed in the ICSL laboratory as part of a predisposition screen in an ostensibly healthy population. It had not been previously curated by ICSL or reported in the Human Gene Mutation Database (HGMD: prior to June 1st, 2018), and was therefore a candidate for classification through an automated scoring system. Utilizing variant allele frequency, disease prevalence and penetrance estimates, and inheritance mode, an automated score was calculated to assess if this variant is too frequent to cause the disease. Based on the score and internal cut-off values, a variant classified as benign is not then subjected to further curation. The score for this variant resulted in a classification of benign for this disease.

Breakthrough Genomics
Classification: Benign. Review status: criteria provided, single submitter. Criteria: ACMG Guidelines, 2015. Collection method: not provided. Allele origin: germline. Inheritance: Autosomal dominant inheritance. Affected: yes.

Clinical Genetics DNA and cytogenetics Diagnostics Lab, Erasmus MC, Erasmus Medical Center
Classification: Benign. Review status: no assertion criteria provided. Collection method: clinical testing. Allele origin: germline. Affected: yes. Study: VKGL Data-share Consensus. Not counted in ClinVar's aggregate classification.

Diagnostic Laboratory, Department of Genetics, University Medical Center Groningen
Classification: Benign. Review status: no assertion criteria provided. Collection method: clinical testing. Allele origin: germline. Affected: yes. Study: VKGL Data-share Consensus. Not counted in ClinVar's aggregate classification.

Genetic Services Laboratory, University of Chicago
Classification: Likely benign for AllHighlyPenetrant. Review status: no assertion criteria provided. Collection method: clinical testing. Allele origin: germline. Inheritance: Autosomal dominant inheritance. Not counted in ClinVar's aggregate classification.
Comment: Likely benign based on allele frequency in 1000 Genomes Project or ESP global frequency and its presence in a patient with a rare or unrelated disease phenotype. NOT Sanger confirmed.

Joint Genome Diagnostic Labs from Nijmegen and Maastricht, Radboudumc and MUMC+
Classification: Benign. Review status: no assertion criteria provided. Collection method: clinical testing. Allele origin: germline. Affected: yes. Study: VKGL Data-share Consensus. Not counted in ClinVar's aggregate classification.